The following is an entry in ClinVar:

NM_003482.4(KMT2D):c.3205G>C (p.Glu1069Gln)

Gene: KMT2D (lysine methyltransferase 2D; minus strand). Cytogenetic location: 12q13.12.
Variant type: single nucleotide variant.
Coding change: c.3205G>C on transcript NM_003482.4 (MANE Select); coding-DNA position 3205, G replaced by C.
Protein change: p.Glu1069Gln; replaces glutamic acid 1069 with glutamine.
Molecular consequence: missense variant.
Genome position (GRCh38, 1-based): chr12:49,050,383, C>G on the plus strand (G>C on the coding strand, the complement: KMT2D is on the minus strand). VCF-style: chr12-49050383-C-G. GRCh37 (hg19) VCF-style: chr12-49444166-C-G.
Other names: short protein forms E1069Q.
Identifiers: ClinVar variation 1360737 (VCV001360737.8), dbSNP rs2120649681, ClinGen allele CA384658691.

ClinVar aggregate classification (germline): Uncertain significance (1 of 4 stars; one submission).

Conditions:
Kabuki syndrome. Also called: NIIKAWA-KUROKI SYNDROME; Kabuki make-up syndrome. Identifiers: Orphanet 2322, MedGen C0796004, MONDO:0016512.

Submission:

Labcorp Genetics (formerly Invitae), Labcorp
Classification: Uncertain significance for Kabuki syndrome. Last evaluated: 2022-02-05. Review status: criteria provided, single submitter. Criteria: Invitae Variant Classification Sherloc (09022015). Collection method: clinical testing. Allele origin: germline.
Comment: In summary, the available evidence is currently insufficient to determine the role of this variant in disease. Therefore, it has been classified as a Variant of Uncertain Significance. Advanced modeling of protein sequence and biophysical properties (such as structural, functional, and spatial information, amino acid conservation, physicochemical variation, residue mobility, and thermodynamic stability) performed at Invitae indicates that this missense variant is not expected to disrupt KMT2D protein function. This variant has not been reported in the literature in individuals affected with KMT2D-related conditions. This variant is not present in population databases (gnomAD no frequency). This sequence change replaces glutamic acid, which is acidic and polar, with glutamine, which is neutral and polar, at codon 1069 of the KMT2D protein (p.Glu1069Gln).